The following is an entry in ClinVar:

ClinVar aggregate classification (germline): Uncertain significance. Review status: criteria provided, multiple submitters, no conflicts (2 of 4 stars). 3 submissions from 3 submitters: Uncertain significance (2). 1 of the submissions does not count toward it. Last evaluated 2023-03-01.

Conditions:
Amelogenesis imperfecta (AI). Also called: Congenital enamel hypoplasia. Identifiers: Orphanet 88661, MedGen C0002452, MONDO:0019507, HP:0000705.
Amelogenesis imperfecta - hypoplastic autosomal dominant - local (AI1B). Also called: Amelogenesis imperfecta type 1B; ENAMEL HYPOPLASIA, HEREDITARY LOCALIZED. Identifiers: Orphanet 88661, MedGen C0399368, MONDO:0007092, OMIM 104500. Disease mechanism: loss of function.

Submissions (3):

Reference Center For Rare Oral And Dental Diseases, CRMR O-Rares, Hôpitaux Universitaires De Strasbourg
Classification: Uncertain significance for Amelogenesis imperfecta - hypoplastic autosomal dominant - local. Last evaluated: 2023-03-01. Review status: criteria provided, single submitter. Criteria: ACMG Guidelines, 2015. Collection method: clinical testing. Allele origin: unknown. Affected: yes.

Blueprint Genetics
Classification: Uncertain significance. Last evaluated: 2022-03-26. Review status: criteria provided, single submitter. Criteria: ACMG Guidelines, 2015. Collection method: clinical testing. Allele origin: germline.

Dental Genetics Laboratory, Seoul National University School of Dentistry
Classification: Pathogenic for Amelogenesis Imperfecta. Review status: no assertion criteria provided. Collection method: clinical testing. Allele origin: paternal. Inheritance: Autosomal dominant inheritance. Affected: yes. Not counted in ClinVar's aggregate classification.
Comment: The variant was absent from all major public databases, including dbSNP, the Genome Aggregation Database (gnomAD) v4.1.0, and ClinVar. In silico analyses consistently supported a pathogenic effect: MutationTaster predicted the variant as deleterious, with complete phylogenetic conservation of the affected nucleotide (PhastCons = 1). The Combined Annotation Dependent Depletion (CADD, GRCh38 v1.6) score was 25.8, indicating a highly deleterious effect (scores ≥ 20). PolyPhen 2 predicted the variant as probably damaging with a score of 1.000 (sensitivity = 0.00; specificity = 1.00), and the MutPred2 score was 0.617, consistent with a likely pathogenic variant (scores > 0.5). In vitro expression studies showed that the mutant ENAM was completely retained intracellularly and failed to be secreted into the culture medium.

Literature cited by the submitters: PubMed 37228816 (cited by Dental Genetics Laboratory, Seoul National University School of Dentistry).

NM_031889.3(ENAM):c.101T>C (p.Leu34Pro)

Gene: ENAM (enamelin; plus strand). Cytogenetic location: 4q13.3.
Variant type: single nucleotide variant.
Coding change: c.101T>C on transcript NM_031889.3 (MANE Select); coding-DNA position 101, T replaced by C.
Protein change: p.Leu34Pro; replaces leucine 34 with proline.
Molecular consequence: missense variant.
Genome position (GRCh38, 1-based): chr4:70,631,716, T>C. VCF-style: chr4-70631716-T-C. GRCh37 (hg19) VCF-style: chr4-71497433-T-C.
Other names: short protein forms L34P.
Identifiers: ClinVar variation 2445232 (VCV002445232.3), dbSNP rs2545341444, ClinGen allele CA357132414.